The following is an entry in ClinVar:

ClinVar aggregate classification (germline): Uncertain significance. Review status: criteria provided, multiple submitters, no conflicts (2 of 4 stars). 2 submissions from 2 submitters: Uncertain significance (2). Last evaluated 2024-11-25.

Conditions:
Inborn genetic diseases. Identifiers: MedGen C0950123, MeSH D030342.
Early-onset Parkinson disease 20. Also called: PARKINSON DISEASE 20, AUTOSOMAL RECESSIVE EARLY-ONSET. Identifiers: Orphanet 391411, MedGen C3809824, MONDO:0014233, OMIM 615530.
Developmental and epileptic encephalopathy, 53. Also called: Epileptic encephalopathy, early infantile, 53. Identifiers: MedGen C4479313, MONDO:0033362, OMIM 617389.

Allele frequency attached by ClinVar (database versions not stated): ExAC 0.00001; gnomAD exomes 0.00001 and 0.00003; gnomAD 0.00002; TOPMed 0.00003.
gnomAD v4.1: 10 of 1,614,108 alleles (0.00062%); highest among the groups gnomAD compares: Admixed American, 0.017%; no homozygotes.

Submissions (2):

Ambry Genetics
Classification: Uncertain significance for Inborn genetic diseases. Last evaluated: 2024-11-25. Review status: criteria provided, single submitter. Criteria: Ambry Variant Classification Scheme 2023. Collection method: clinical testing. Allele origin: germline.

Labcorp Genetics (formerly Invitae), Labcorp
Classification: Uncertain significance for Developmental and epileptic encephalopathy, 53; Early-onset Parkinson disease 20. Last evaluated: 2022-06-28. Review status: criteria provided, single submitter. Criteria: Invitae Variant Classification Sherloc (09022015). Collection method: clinical testing. Allele origin: germline.
Comment: This sequence change replaces threonine, which is neutral and polar, with serine, which is neutral and polar, at codon 1589 of the SYNJ1 protein (p.Thr1589Ser). This variant is present in population databases (rs746226206, gnomAD 0.02%). This variant has not been reported in the literature in individuals affected with SYNJ1-related conditions. ClinVar contains an entry for this variant (Variation ID: 948839). Algorithms developed to predict the effect of missense changes on protein structure and function (SIFT, PolyPhen-2, Align-GVGD) all suggest that this variant is likely to be tolerated. Algorithms developed to predict the effect of sequence changes on RNA splicing suggest that this variant may create or strengthen a splice site. In summary, the available evidence is currently insufficient to determine the role of this variant in disease. Therefore, it has been classified as a Variant of Uncertain Significance.

NM_203446.3(SYNJ1):c.*737C>G

Gene: SYNJ1 (synaptojanin 1; minus strand). Cytogenetic location: 21q22.11.
Variant type: single nucleotide variant.
Coding change: c.*737C>G on transcript NM_203446.3 (MANE Select); 737 bases downstream of the stop codon, C replaced by G.
Molecular consequence: 3 prime UTR variant. On other transcripts: missense variant (2).
Genome position (GRCh38, 1-based): chr21:32,631,068, G>C on the plus strand (C>G on the coding strand, the complement: SYNJ1 is on the minus strand). VCF-style: chr21-32631068-G-C. GRCh37 (hg19) VCF-style: chr21-34003378-G-C.
Other names: c.*737C>G (NM_001160302.2); c.4508C>G, p.Thr1503Ser (NM_001160306.2); c.4766C>G, p.Thr1589Ser (NM_003895.4); short protein forms T1503S, T1589S.
Identifiers: ClinVar variation 948839 (VCV000948839.8), dbSNP rs746226206, ClinGen allele CA10003051.